The following is an entry in ClinVar:

NM_016507.4(CDK12):c.730C>G (p.Gln244Glu)

Genes: CDK12 (cyclin dependent kinase 12; plus strand), LOC126862553 (CDK7 strongly-dependent group 2 enhancer GRCh37_chr17:37618166-37619365; plus strand). Cytogenetic location: 17q12.
Variant type: single nucleotide variant.
Coding change: c.730C>G on transcript NM_016507.4 (MANE Select); coding-DNA position 730, C replaced by G.
Protein change: p.Gln244Glu; replaces glutamine 244 with glutamic acid.
Molecular consequence: missense variant.
Genome position (GRCh38, 1-based): chr17:39,462,801, C>G. VCF-style: chr17-39462801-C-G. GRCh37 (hg19) VCF-style: chr17-37619054-C-G.
Other names: c.730C>G, p.Gln244Glu (NM_015083.4); short protein forms Q244E.
Identifiers: ClinVar variation 4224296 (VCV004224296.1).

ClinVar aggregate classification (germline): Uncertain significance (1 of 4 stars; one submission).

gnomAD v4.1: 1 of 1,614,142 alleles (0.000062%); highest among the groups gnomAD compares: Non-Finnish European, 0.000085%; no homozygotes.

Submission:

Ambry Genetics
Classification: Uncertain significance. Last evaluated: 2025-07-18. Review status: criteria provided, single submitter. Criteria: Ambry Variant Classification Scheme 2023. Collection method: clinical testing. Allele origin: germline.
Comment: The p.Q244E variant (also known as c.730C>G), located in coding exon 1 of the CDK12 gene, results from a C to G substitution at nucleotide position 730. The glutamine at codon 244 is replaced by glutamic acid, an amino acid with highly similar properties. This amino acid position is conserved. In addition, this alteration is predicted to be tolerated by in silico analysis. Based on the available evidence, the clinical significance of this variant remains unclear.